The following is an entry in ClinVar:

ClinVar aggregate classification (germline): Uncertain significance. Review status: criteria provided, multiple submitters, no conflicts (2 of 4 stars). 5 submissions from 5 submitters: Uncertain significance (5). Last evaluated 2025-08-15.

Conditions:
Cardiovascular phenotype. Identifiers: MedGen CN230736.
DK1-congenital disorder of glycosylation. Also called: DK1-CDG; DOLK-congenital disorder of glycosylation; Carbohydrate deficient glycoprotein syndrome type 1m; DK1 DEFICIENCY; DOLICHOL KINASE DEFICIENCY; CONGENITAL DISORDER OF GLYCOSYLATION, TYPE Im. Identifiers: Orphanet 91131, MedGen C1835849, MONDO:0012556, OMIM 610768.

Allele frequency attached by ClinVar (database versions not stated): ExAC 0.00002; gnomAD 0.00002 and 0.00003; gnomAD exomes 0.00002 and 0.00003; TOPMed 0.00004; ESP Exome Variant Server 0.00008.
gnomAD v4.1: 52 of 1,612,280 alleles (0.0032%); highest among the groups gnomAD compares: Non-Finnish European, 0.0041%; no homozygotes.

Submissions (5):

GeneDx
Classification: Uncertain significance. Last evaluated: 2025-08-15. Review status: criteria provided, single submitter. Criteria: GeneDx Variant Classification Process June 2021. Collection method: clinical testing. Allele origin: germline. Affected: yes.
Comment: Not observed at significant frequency in large population cohorts (gnomAD); In silico analysis suggests that this missense variant does not alter protein structure/function; Has not been previously published as pathogenic or benign to our knowledge

Ambry Genetics
Classification: Uncertain significance for Cardiovascular phenotype. Last evaluated: 2025-03-14. Review status: criteria provided, single submitter. Criteria: Ambry Variant Classification Scheme 2023. Collection method: clinical testing. Allele origin: germline.
Comment: The p.R3Q variant (also known as c.8G>A), located in coding exon 1 of the DOLK gene, results from a G to A substitution at nucleotide position 8. The arginine at codon 3 is replaced by glutamine, an amino acid with highly similar properties. This amino acid position is well conserved in available vertebrate species. In addition, the in silico prediction for this alteration is inconclusive. Since supporting evidence is limited at this time, the clinical significance of this alteration remains unclear.

Labcorp Genetics (formerly Invitae), Labcorp
Classification: Uncertain significance for DK1-congenital disorder of glycosylation. Last evaluated: 2022-10-17. Review status: criteria provided, single submitter. Criteria: Invitae Variant Classification Sherloc (09022015). Collection method: clinical testing. Allele origin: germline.
Comment: This sequence change replaces arginine, which is basic and polar, with glutamine, which is neutral and polar, at codon 3 of the DOLK protein (p.Arg3Gln). This variant is present in population databases (rs373115419, gnomAD 0.005%). This variant has not been reported in the literature in individuals affected with DOLK-related conditions. ClinVar contains an entry for this variant (Variation ID: 838748). Algorithms developed to predict the effect of missense changes on protein structure and function (SIFT, PolyPhen-2, Align-GVGD) all suggest that this variant is likely to be tolerated. In summary, the available evidence is currently insufficient to determine the role of this variant in disease. Therefore, it has been classified as a Variant of Uncertain Significance.

Fulgent Genetics
Classification: Uncertain significance for DK1-congenital disorder of glycosylation. Last evaluated: 2021-07-20. Review status: criteria provided, single submitter. Criteria: ACMG Guidelines, 2015. Collection method: clinical testing. Allele origin: unknown.

Breakthrough Genomics
Classification: Uncertain significance. Review status: criteria provided, single submitter. Criteria: ACMG Guidelines, 2015. Collection method: not provided. Allele origin: germline. Inheritance: Autosomal recessive inheritance. Affected: yes.

NM_014908.4(DOLK):c.8G>A (p.Arg3Gln)

Gene: DOLK (dolichol kinase; minus strand). Cytogenetic location: 9q34.11.
Variant type: single nucleotide variant.
Coding change: c.8G>A on transcript NM_014908.4 (MANE Select); coding-DNA position 8, G replaced by A.
Protein change: p.Arg3Gln; replaces arginine 3 with glutamine.
Molecular consequence: missense variant.
Genome position (GRCh38, 1-based): chr9:128,947,296, C>T on the plus strand (G>A on the coding strand, the complement: DOLK is on the minus strand). VCF-style: chr9-128947296-C-T. GRCh37 (hg19) VCF-style: chr9-131709575-C-T.
Other names: short protein forms R3Q.
Identifiers: ClinVar variation 838748 (VCV000838748.13), dbSNP rs373115419, ClinGen allele CA5271814.
Genomic context (GRCh38, chr9:128,947,296, plus strand): 5'-TCTGCCAGCACCGATCCACTCAGCGGAGCCCCAGGCCCCGGGGCCGGAGATGGGCACTCT[C>T]GGGTCATATCTCTAGACCTGGGGCTTCACGGAGGCCGGGGCGACTACGGACGCCCTAGAC-3'
Protein context (NP_055723.1, residues 1-13): MT[Arg3Gln]ECPSPAPGPG